The following is an entry in ClinVar:

NM_001148.6(ANK2):c.9856G>A (p.Glu3286Lys)

Gene: ANK2 (ankyrin 2; plus strand). Cytogenetic location: 4q26.
Variant type: single nucleotide variant.
Coding change: c.9856G>A on transcript NM_001148.6 (MANE Select); coding-DNA position 9856, G replaced by A.
Protein change: p.Glu3286Lys; replaces glutamic acid 3286 with lysine.
Molecular consequence: missense variant. On other transcripts: intron variant (68).
Genome position (GRCh38, 1-based): chr4:113,358,474, G>A. VCF-style: chr4-113358474-G-A. GRCh37 (hg19) VCF-style: chr4-114279630-G-A.
Other names: c.9622G>A, p.Glu3208Lys (NM_001386142.1); c.6256G>A, p.Glu2086Lys (NM_001386166.1); c.9997G>A, p.Glu3333Lys (NM_001386174.1); c.9973G>A, p.Glu3325Lys (NM_001386175.1); c.4412-2349G>A (NM_001386186.2, NM_001386148.2); c.4214-2349G>A (NM_001354269.3); c.4292-2349G>A (NM_001386187.2); c.4253-2349G>A (NM_001386147.1); and 35 more; short protein forms E2086K, E3208K, E3286K, E3325K, E3333K.
Identifiers: ClinVar variation 1062755 (VCV001062755.8), dbSNP rs768536932, ClinGen allele CA3051993.

ClinVar aggregate classification (germline): Uncertain significance. Review status: criteria provided, multiple submitters, no conflicts (2 of 4 stars). 2 submissions from 2 submitters: Uncertain significance (2). Last evaluated 2025-09-04.

Conditions:
Long QT syndrome (LQTS). Identifiers: MedGen C0023976, MeSH D008133, MONDO:0002442. Disease mechanism: loss of function. Inheritance: Various modes of inheritance.
Cardiovascular phenotype. Identifiers: MedGen CN230736.

Allele frequency attached by ClinVar (database versions not stated): gnomAD 0.00001; gnomAD exomes 0.00001 and 0.00002; ExAC 0.00002; TOPMed 0.00002.
gnomAD v4.1: 33 of 1,613,898 alleles (0.002%); highest among the groups gnomAD compares: East Asian, 0.0045%; no homozygotes.

Submissions (2):

Ambry Genetics
Classification: Uncertain significance for Cardiovascular phenotype. Last evaluated: 2025-09-04. Review status: criteria provided, single submitter. Criteria: Ambry Variant Classification Scheme 2023. Collection method: clinical testing. Allele origin: germline.
Comment: The p.E3286K variant (also known as c.9856G>A), located in coding exon 38 of the ANK2 gene, results from a G to A substitution at nucleotide position 9856. This exon is expressed solely in brain (Mohler PJ et al. Circulation. 2007;115(4):432-41). The glutamic acid at codon 3286 is replaced by lysine, an amino acid with similar properties. This amino acid position is highly conserved in available vertebrate species. In addition, this alteration is predicted to be deleterious by in silico analysis. Since supporting evidence is limited at this time, the clinical significance of this alteration remains unclear.

Labcorp Genetics (formerly Invitae), Labcorp
Classification: Uncertain significance for Long QT syndrome. Last evaluated: 2022-06-13. Review status: criteria provided, single submitter. Criteria: Invitae Variant Classification Sherloc (09022015). Collection method: clinical testing. Allele origin: germline.
Comment: This variant has not been reported in the literature in individuals affected with ANK2-related conditions. This variant is present in population databases (rs768536932, gnomAD 0.01%). ClinVar contains an entry for this variant (Variation ID: 1062755). This sequence change replaces glutamic acid, which is acidic and polar, with lysine, which is basic and polar, at codon 3286 of the ANK2 protein (p.Glu3286Lys). In summary, the available evidence is currently insufficient to determine the role of this variant in disease. Therefore, it has been classified as a Variant of Uncertain Significance. Algorithms developed to predict the effect of missense changes on protein structure and function are either unavailable or do not agree on the potential impact of this missense change (SIFT: "Deleterious"; PolyPhen-2: "Probably Damaging"; Align-GVGD: "Class C0").